The following is an entry in ClinVar:

NM_001308210.2(TSHZ1):c.276C>T (p.Ser92=)

Gene: TSHZ1 (teashirt zinc finger homeobox 1; plus strand). Cytogenetic location: 18q22.3.
Variant type: single nucleotide variant.
Coding change: c.276C>T on transcript NM_001308210.2 (MANE Select); coding-DNA position 276, C replaced by T.
Protein change: p.Ser92=; no amino-acid change (serine 92 retained).
Molecular consequence: synonymous variant.
Genome position (GRCh38, 1-based): chr18:75,285,683, C>T. VCF-style: chr18-75285683-C-T. GRCh37 (hg19) VCF-style: chr18-72997638-C-T.
Other names: c.141C>T (NM_005786.5); c.141C>T, p.Ser47= (NM_005786.6).
Identifiers: ClinVar variation 2648812 (VCV002648812.26), dbSNP rs373269702, ClinGen allele CA9001771.

ClinVar aggregate classification (germline): Likely benign. Review status: criteria provided, multiple submitters, no conflicts (2 of 4 stars). 3 submissions from 3 submitters: Likely benign (2). 1 of the submissions does not count toward it. Last evaluated 2024-02-27.

Conditions:
TSHZ1-related disorder. Also called: TSHZ1-related condition.

Allele frequency attached by ClinVar (database versions not stated): gnomAD 0.00003; TOPMed 0.00005; ExAC 0.00007; ESP Exome Variant Server 0.00015.
gnomAD v4.1: 105 of 1,613,998 alleles (0.0065%); highest among the groups gnomAD compares: Non-Finnish European, 0.0081%; no homozygotes.

Submissions (3):

Blueprint Genetics
Classification: Likely benign. Last evaluated: 2024-02-27. Review status: criteria provided, single submitter. Criteria: ACMG Guidelines, 2015. Collection method: clinical testing. Allele origin: germline.

CeGaT Center for Human Genetics Tuebingen
Classification: Likely benign. Last evaluated: 2023-02-01. Review status: criteria provided, single submitter. Criteria: CeGaT Center For Human Genetics Tuebingen Variant Classification Criteria Version 2. Collection method: clinical testing. Allele origin: germline. Affected: yes. Observed: 1 variant allele.
Comment: TSHZ1: BP4, BP7

PreventionGenetics, part of Exact Sciences
Classification: Likely benign for TSHZ1-related condition. Last evaluated: 2019-07-09. Review status: no assertion criteria provided. Collection method: clinical testing. Allele origin: germline. Not counted in ClinVar's aggregate classification.
Comment: This variant is classified as likely benign based on ACMG/AMP sequence variant interpretation guidelines (Richards et al. 2015 PMID: 25741868, with internal and published modifications).